The following is an entry in ClinVar:

ClinVar aggregate classification (germline): Conflicting classifications of pathogenicity. Review status: criteria provided, conflicting classifications (1 of 4 stars). 3 submissions from 3 submitters: Uncertain significance (1); Likely benign (1). 1 of the submissions does not count toward it. Last evaluated 2019-02-19.

Conditions:
HNF1A-related disorder. Also called: HNF1A-related condition.

Allele frequency attached by ClinVar (database versions not stated): gnomAD exomes 0.00004 and 0.00011; ExAC 0.00014; TOPMed 0.00066; gnomAD 0.00067 and 0.00074.

Submissions (3):

GeneDx
Classification: Likely benign. Last evaluated: 2019-02-19. Review status: criteria provided, single submitter. Criteria: GeneDx Variant Classification Process June 2021. Collection method: clinical testing. Allele origin: germline. Affected: yes.
Comment: This variant is associated with the following publications: (PMID: 10690959, 16917892)

Genetic Services Laboratory, University of Chicago
Classification: Uncertain significance. Last evaluated: 2017-07-05. Review status: criteria provided, single submitter. Criteria: ACMG Guidelines, 2015. Collection method: clinical testing. Allele origin: germline. Affected: no.

PreventionGenetics, part of Exact Sciences
Classification: Likely benign for HNF1A-related condition. Last evaluated: 2020-09-08. Review status: no assertion criteria provided. Collection method: clinical testing. Allele origin: germline. Not counted in ClinVar's aggregate classification.
Comment: This variant is classified as likely benign based on ACMG/AMP sequence variant interpretation guidelines (Richards et al. 2015 PMID: 25741868, with internal and published modifications).

NM_000545.8(HNF1A):c.-89T>C

Gene: HNF1A (HNF1 homeobox A; plus strand). Cytogenetic location: 12q24.31.
Variant type: single nucleotide variant.
Coding change: c.-89T>C on transcript NM_000545.8 (MANE Select); 89 bases upstream of the start codon, T replaced by C.
Molecular consequence: 5 prime UTR variant.
Genome position (GRCh38, 1-based): chr12:120,978,680, T>C. VCF-style: chr12-120978680-T-C. GRCh37 (hg19) VCF-style: chr12-121416483-T-C.
Other names: c.-89T>C (NM_001306179.2, NM_000545.6).
Identifiers: ClinVar variation 1203907 (VCV001203907.9), dbSNP rs767550584, ClinGen allele CA6831617.
Genomic context (GRCh38, chr12:120,978,680, plus strand): 5'-ACAGGGCTTGGCTAGTGGGGTTTTGGGGGGGCAGTGGGTGCAAGGAGTTTGGTTTGTGTC[T>C]GCCGGCCGGCAGGCAAACGCAACCCACGCGGTGGGGGAGGCGGCTAGCGTGGTGGACCCG-3'